The following is an entry in ClinVar:

ClinVar aggregate classification (germline): Conflicting classifications of pathogenicity. Review status: criteria provided, conflicting classifications (1 of 4 stars). 4 submissions from 4 submitters: Likely pathogenic (2); Uncertain significance (2). Last evaluated 2026-03-19.

Conditions:
GJB2-related disorder. Also called: GJB2-related condition; GJB2-related disorders. Identifiers: MedGen CN382183, MONDO:1060236.
Sensorineural hearing loss disorder. Also called: Sensorineural hearing impairment; Sensorineural hearing loss; Sensorineural Deafness. Identifiers: MedGen C0018784, MeSH D006319, MONDO:0020678, HP:0000407.

Submissions (4):

PreventionGenetics, part of Exact Sciences
Classification: Uncertain significance for GJB2-related condition. Last evaluated: 2026-03-19. Review status: criteria provided, single submitter. Criteria: ACMG Guidelines, 2015. Collection method: clinical testing. Allele origin: germline.
Comment: The GJB2 c.196G>T variant is predicted to result in the amino acid substitution p.Asp66Tyr. To our knowledge, this variant has not been reported in the literature or in a large population database (gnomAD), indicating this variant is rare. However, one alternate missense variant of the same amino acid (p.Asp66Asn) has been observed in a cohort of individuals with nonsyndromic hearing loss (Jiang et al. 2014. PubMed ID: 24737404), and another alternate missense variant (p.Asp66His) has been observed to co-segregate with disease in multiple individuals and families with Vohwinkel syndrome, which is characterized by a combination of mutilating palmoplantar keratoderma and sensorineural hearing loss (OMIM #124500; Maestrini et al. 1999. PubMed ID: 10369869); Thomas et al. 2004. PubMed ID: 14978038; Serrano Castro et al. 2010. PubMed ID: 20031451; Ikeda et al. 2020. PubMed ID: 32705719; Albuloushi et al. 2020. PubMed ID: 32866991). Therefore, although we suspect that the p.Asp66Tyr variant may be pathogenic, the clinical significance of this variant is uncertain at this time due to the absence of conclusive functional and genetic evidence.

GeneDx
Classification: Uncertain significance. Last evaluated: 2024-10-04. Review status: criteria provided, single submitter. Criteria: GeneDx Variant Classification Process June 2021. Collection method: clinical testing. Allele origin: germline. Affected: yes.
Comment: Not observed at significant frequency in large population cohorts (gnomAD); In silico analysis supports that this missense variant has a deleterious effect on protein structure/function; Has not been previously published as pathogenic or benign to our knowledge; This variant is associated with the following publications: (PMID: 10369869)

Labcorp Genetics (formerly Invitae), Labcorp
Classification: Likely pathogenic. Last evaluated: 2023-10-05. Review status: criteria provided, single submitter. Criteria: Invitae Variant Classification Sherloc (09022015). Collection method: clinical testing. Allele origin: germline.
Comment: This sequence change replaces aspartic acid, which is acidic and polar, with tyrosine, which is neutral and polar, at codon 66 of the GJB2 protein (p.Asp66Tyr). This variant is not present in population databases (gnomAD no frequency). This missense change has been observed in individual(s) with autosomal dominant deafness (Invitae). ClinVar contains an entry for this variant (Variation ID: 586962). Advanced modeling of protein sequence and biophysical properties (such as structural, functional, and spatial information, amino acid conservation, physicochemical variation, residue mobility, and thermodynamic stability) performed at Invitae indicates that this missense variant is expected to disrupt GJB2 protein function. This variant disrupts the p.Asp66 amino acid residue in GJB2. Other variant(s) that disrupt this residue have been determined to be pathogenic (PMID: 21055240, 24737404). This suggests that this residue is clinically significant, and that variants that disrupt this residue are likely to be disease-causing. In summary, the currently available evidence indicates that the variant is pathogenic, but additional data are needed to prove that conclusively. Therefore, this variant has been classified as Likely Pathogenic.

Laboratoire de Genetique Biologique, CHU de Poitiers
Classification: Likely pathogenic for Sensorineural hearing loss disorder. Last evaluated: 2018-10-03. Review status: criteria provided, single submitter. Criteria: ACMG Guidelines, 2015. Collection method: clinical testing. Allele origin: inherited. Inheritance: Autosomal dominant inheritance. Affected: yes. Observed: 5 variant alleles, 5 heterozygotes.

Literature cited by the submitters: PubMed 21055240 (cited by Labcorp Genetics (formerly Invitae), Labcorp); PubMed 24737404 (cited by Labcorp Genetics (formerly Invitae), Labcorp); PubMed 10369869 (cited by Laboratoire de Genetique Biologique, CHU de Poitiers).

NM_004004.6(GJB2):c.196G>T (p.Asp66Tyr)

Gene: GJB2 (gap junction protein beta 2; minus strand). Cytogenetic location: 13q12.11.
Variant type: single nucleotide variant.
Coding change: c.196G>T on transcript NM_004004.6 (MANE Select); coding-DNA position 196, G replaced by T.
Protein change: p.Asp66Tyr; replaces aspartic acid 66 with tyrosine.
Molecular consequence: missense variant.
Genome position (GRCh38, 1-based): chr13:20,189,386, C>A on the plus strand (G>T on the coding strand, the complement: GJB2 is on the minus strand). VCF-style: chr13-20189386-C-A. GRCh37 (hg19) VCF-style: chr13-20763525-C-A.
Other names: short protein forms D66Y.
Identifiers: ClinVar variation 586962 (VCV000586962.8), dbSNP rs104894403, ClinGen allele CA387461647.